The following is an entry in ClinVar:

NM_003200.5(TCF3):c.467G>C (p.Ser156Thr)

Gene: TCF3 (transcription factor 3; minus strand). Cytogenetic location: 19p13.3.
Variant type: single nucleotide variant.
Coding change: c.467G>C on transcript NM_003200.5 (MANE Select); coding-DNA position 467, G replaced by C.
Protein change: p.Ser156Thr; replaces serine 156 with threonine.
Molecular consequence: missense variant.
Genome position (GRCh38, 1-based): chr19:1,625,608, C>G on the plus strand (G>C on the coding strand, the complement: TCF3 is on the minus strand). VCF-style: chr19-1625608-C-G. GRCh37 (hg19) VCF-style: chr19-1625607-C-G.
Other names: c.467G>C, p.Ser156Thr (NM_001136139.4, NM_001351778.2, NM_001351779.2); short protein forms S156T.
Identifiers: ClinVar variation 1514739 (VCV001514739.8), dbSNP rs2146270625, ClinGen allele CA403057105.

ClinVar aggregate classification (germline): Uncertain significance (1 of 4 stars; one submission).

Submission:

Labcorp Genetics (formerly Invitae), Labcorp
Classification: Uncertain significance. Last evaluated: 2022-08-16. Review status: criteria provided, single submitter. Criteria: Invitae Variant Classification Sherloc (09022015). Collection method: clinical testing. Allele origin: germline.
Comment: This sequence change replaces serine, which is neutral and polar, with threonine, which is neutral and polar, at codon 156 of the TCF3 protein (p.Ser156Thr). This variant is not present in population databases (gnomAD no frequency). This variant has not been reported in the literature in individuals affected with TCF3-related conditions. ClinVar contains an entry for this variant (Variation ID: 1514739). Algorithms developed to predict the effect of missense changes on protein structure and function are either unavailable or do not agree on the potential impact of this missense change (SIFT: "Not Available"; PolyPhen-2: "Benign"; Align-GVGD: "Not Available"). In summary, the available evidence is currently insufficient to determine the role of this variant in disease. Therefore, it has been classified as a Variant of Uncertain Significance.